The following is an entry in ClinVar:

NM_024649.5(BBS1):c.1025dup (p.Leu343fs)

Genes: BBS1 (Bardet-Biedl syndrome 1; plus strand), ZDHHC24 (zDHHC palmitoyltransferase 24; minus strand). Cytogenetic location: 11q13.2.
Variant type: Duplication.
Coding change: c.1025dup on transcript NM_024649.5 (MANE Select); coding-DNA position 1025, one base duplicated (G; older notation c.1025dupG).
Protein change: p.Leu343fs; shifts the reading frame from leucine 343.
Molecular consequence: frameshift variant. On other transcripts: intron variant (1).
Genome position (GRCh38, 1-based): chr11:66,523,797, G duplicated; the last of 4 consecutive G bases (chr11:66,523,794-66,523,797); duplicating any one gives the same sequence. VCF-style (leftmost placement, unchanged base first): chr11-66523793-C-CG. GRCh37 (hg19) VCF-style: chr11-66291264-C-CG.
Other names: c.*22-2328dup (NM_001348571.2); short protein forms L343fs.
Identifiers: ClinVar variation 1069654 (VCV001069654.8), dbSNP rs2134797289, ClinGen allele CA2499221208.

ClinVar aggregate classification (germline): Pathogenic (1 of 4 stars; one submission).

Conditions:
Bardet-Biedl syndrome (BBS). Identifiers: Orphanet 110, MedGen C0752166, MONDO:0015229.

Submission:

Labcorp Genetics (formerly Invitae), Labcorp
Classification: Pathogenic for Bardet-Biedl syndrome. Last evaluated: 2020-10-02. Review status: criteria provided, single submitter. Criteria: Invitae Variant Classification Sherloc (09022015). Collection method: clinical testing. Allele origin: germline.
Comment: This sequence change creates a premature translational stop signal (p.Leu343Profs*18) in the BBS1 gene. It is expected to result in an absent or disrupted protein product. This variant is not present in population databases (ExAC no frequency). This variant has not been reported in the literature in individuals with BBS1-related conditions. Loss-of-function variants in BBS1 are known to be pathogenic (PMID: 12118255). For these reasons, this variant has been classified as Pathogenic.

Literature cited by the submitters: PubMed 12118255.